The following is an entry in ClinVar:

NM_000263.4(NAGLU):c.1963A>T (p.Ile655Phe)

Gene: NAGLU (N-acetyl-alpha-glucosaminidase; plus strand). Cytogenetic location: 17q21.2.
Variant type: single nucleotide variant.
Coding change: c.1963A>T on transcript NM_000263.4 (MANE Select); coding-DNA position 1963, A replaced by T.
Protein change: p.Ile655Phe; replaces isoleucine 655 with phenylalanine.
Molecular consequence: missense variant.
Genome position (GRCh38, 1-based): chr17:42,543,969, A>T. VCF-style: chr17-42543969-A-T. GRCh37 (hg19) VCF-style: chr17-40695987-A-T.
Other names: short protein forms I655F.
Identifiers: ClinVar variation 3339937 (VCV003339937.1).

ClinVar aggregate classification (germline): Uncertain significance (1 of 4 stars; one submission).

Submission:

Women's Health and Genetics/Laboratory Corporation of America, LabCorp
Classification: Uncertain significance. Last evaluated: 2024-06-20. Review status: criteria provided, single submitter. Criteria: LabCorp Variant Classification Summary - May 2015. Collection method: clinical testing. Allele origin: germline.
Comment: Variant summary: NAGLU c.1963A>T (p.Ile655Phe) results in a non-conservative amino acid change located in the Alpha-N-acetylglucosaminidase, C-terminal domain (IPR024732) of the encoded protein sequence. Five of five in-silico tools predict a damaging effect of the variant on protein function. The frequency data for this variant in gnomAD is considered unreliable, as metrics indicate poor data quality at this position. To our knowledge, no occurrence of c.1963A>T in individuals affected with Mucopolysaccharidosis Type IIIB (Sanfilippo Syndrome B) and no experimental evidence demonstrating its impact on protein function have been reported. No submitters have cited clinical-significance assessments for this variant to ClinVar. Based on the evidence outlined above, the variant was classified as uncertain significance.